The following is an entry in ClinVar:

NM_004211.5(SLC6A5):c.1759del (p.Ile586_Val587insTer)

Gene: SLC6A5 (solute carrier family 6 member 5; plus strand). Cytogenetic location: 11p15.1.
Variant type: Deletion.
Coding change: c.1759del on transcript NM_004211.5 (MANE Select); coding-DNA position 1759, one base deleted (G; older notation c.1759delG).
Protein change: p.Ile586_Val587insTer.
Molecular consequence: nonsense.
Genome position (GRCh38, 1-based): chr11:20,637,193, G deleted. VCF-style (leftmost placement, unchanged base first): chr11-20637192-AG-A. GRCh37 (hg19) VCF-style: chr11-20658738-AG-A.
Other names: c.1057del, p.Ile352_Val353insTer (NM_001318369.2).
Identifiers: ClinVar variation 1454424 (VCV001454424.6), dbSNP rs2133809394, ClinGen allele CA2573146133.

ClinVar aggregate classification (germline): Pathogenic (1 of 4 stars; one submission).

Conditions:
Hyperekplexia 3 (HKPX3). Also called: HYPEREKPLEXIA 3, AUTOSOMAL RECESSIVE; HYPEREKPLEXIA 3, AUTOSOMAL DOMINANT. Identifiers: Orphanet 3197, MedGen C3553288, MONDO:0013827, OMIM 614618.

Allele frequency attached by ClinVar (database versions not stated): gnomAD exomes 0.00001.

Submission:

Labcorp Genetics (formerly Invitae), Labcorp
Classification: Pathogenic for Hyperekplexia 3. Last evaluated: 2023-01-11. Review status: criteria provided, single submitter. Criteria: Invitae Variant Classification Sherloc (09022015). Collection method: clinical testing. Allele origin: germline.
Comment: For these reasons, this variant has been classified as Pathogenic. ClinVar contains an entry for this variant (Variation ID: 1454424). This variant has not been reported in the literature in individuals affected with SLC6A5-related conditions. This variant is not present in population databases (gnomAD no frequency). This sequence change creates a premature translational stop signal (p.Val587*) in the SLC6A5 gene. It is expected to result in an absent or disrupted protein product. Loss-of-function variants in SLC6A5 are known to be pathogenic (PMID: 14622583, 16751771, 22700964).

Literature cited by the submitters: PubMed 14622583; PubMed 16751771; PubMed 22700964.